The following is an entry in ClinVar:

NC_000002.11:g.(?_26426911)_(26512821_?)del

Genes: HADHA (hydroxyacyl-CoA dehydrogenase trifunctional multienzyme complex subunit alpha; minus strand), HADHB (hydroxyacyl-CoA dehydrogenase trifunctional multienzyme complex subunit beta; plus strand). Cytogenetic location: 2p23.3.
Variant type: Deletion.
Identifiers: ClinVar variation 3247331 (VCV003247331.1).

ClinVar aggregate classification (germline): Pathogenic. Review status: criteria provided, single submitter (1 of 4 stars). 2 submissions from 1 submitter: Pathogenic (2). Last evaluated 2023-03-17.

Conditions:
Mitochondrial trifunctional protein deficiency. Identifiers: Orphanet 746, MedGen C1969443, MONDO:0012172.
Long chain 3-hydroxyacyl-CoA dehydrogenase deficiency. Also called: Deficiency of long-chain 3-hydroxyacyl-coenzyme A dehydrogenase; LCHAD Deficiency. Identifiers: Orphanet 5, MedGen C3711645, MONDO:0012173, OMIM 609016.

Submissions (2):

Labcorp Genetics (formerly Invitae), Labcorp
Classification: Pathogenic for Mitochondrial trifunctional protein deficiency. Last evaluated: 2023-03-17. Review status: criteria provided, single submitter. Criteria: Invitae Variant Classification Sherloc (09022015). Collection method: clinical testing. Allele origin: unknown.
Comment: For these reasons, this variant has been classified as Pathogenic. This variant has not been reported in the literature in individuals affected with HADHB-related conditions. A gross deletion of the genomic region encompassing the full coding sequence of the HADHB gene has been identified. Loss-of-function variants in HADHB are known to be pathogenic (PMID: 9259266, 12754706). The boundaries of this event are unknown as they extend beyond the assayed region for this gene and therefore may encompass additional genes.

Labcorp Genetics (formerly Invitae), Labcorp
Classification: Pathogenic for Mitochondrial trifunctional protein deficiency; Long chain 3-hydroxyacyl-CoA dehydrogenase deficiency. Last evaluated: 2023-03-17. Review status: criteria provided, single submitter. Criteria: Invitae Variant Classification Sherloc (09022015). Collection method: clinical testing. Allele origin: unknown.
Comment: For these reasons, this variant has been classified as Pathogenic. This variant has not been reported in the literature in individuals affected with HADHA-related conditions. This variant is a gross deletion of the genomic region encompassing exon(s) 1-12 of the HADHA gene, which includes the initiator codon. This deletion extends beyond the assayed region for this gene and therefore may encompass additional genes. It is expected to result in an absent or disrupted protein product. Loss-of-function variants in HADHA are known to be pathogenic (PMID: 7738175, 21103935, 21549624, 22459206).

Literature cited by the submitters: PubMed 9259266; PubMed 12754706; PubMed 7738175; PubMed 21103935; PubMed 21549624; PubMed 22459206.